The following is an entry in ClinVar:

ClinVar aggregate classification (germline): Uncertain significance (0 of 4 stars; one submission).

Conditions:
RAB23-related disorder. Also called: RAB23-related condition.

gnomAD v4.1: 8 of 1,613,634 alleles (0.0005%); highest among the groups gnomAD compares: African/African-American, 0.011%; no homozygotes.

Submission:

PreventionGenetics, part of Exact Sciences
Classification: Uncertain significance for RAB23-related condition. Last evaluated: 2024-05-08. Review status: no assertion criteria provided. Collection method: clinical testing. Allele origin: germline.
Comment: The RAB23 c.631G>A variant is predicted to result in the amino acid substitution p.Gly211Ser. To our knowledge, this variant has not been reported in the literature. This variant is reported in 0.034% of alleles in individuals of African descent in gnomAD. At this time, the clinical significance of this variant is uncertain due to the absence of conclusive functional and genetic evidence.

NM_016277.5(RAB23):c.631G>A (p.Gly211Ser)

Gene: RAB23 (RAB23, member RAS oncogene family; minus strand). Cytogenetic location: 6p12.1.
Variant type: single nucleotide variant.
Coding change: c.631G>A on transcript NM_016277.5 (MANE Select); coding-DNA position 631, G replaced by A.
Protein change: p.Gly211Ser; replaces glycine 211 with serine.
Molecular consequence: missense variant. On other transcripts: non-coding transcript variant (1).
Genome position (GRCh38, 1-based): chr6:57,190,544, C>T on the plus strand (G>A on the coding strand, the complement: RAB23 is on the minus strand). VCF-style: chr6-57190544-C-T. GRCh37 (hg19) VCF-style: chr6-57055342-C-T.
Other names: c.631G>A, p.Gly211Ser (NM_001278666.2, NM_001278667.2, NM_001278668.2 and 1 more transcripts); short protein forms G211S.
Identifiers: ClinVar variation 3355115 (VCV003355115.1).